The following is an entry in ClinVar:

NM_004793.4(LONP1):c.976G>A (p.Asp326Asn)

Gene: LONP1 (lon peptidase 1, mitochondrial; minus strand). Cytogenetic location: 19p13.3.
Variant type: single nucleotide variant.
Coding change: c.976G>A on transcript NM_004793.4 (MANE Select); coding-DNA position 976, G replaced by A.
Protein change: p.Asp326Asn; replaces aspartic acid 326 with asparagine.
Molecular consequence: missense variant. On other transcripts: non-coding transcript variant (1).
Genome position (GRCh38, 1-based): chr19:5,707,783, C>T on the plus strand (G>A on the coding strand, the complement: LONP1 is on the minus strand). VCF-style: chr19-5707783-C-T. GRCh37 (hg19) VCF-style: chr19-5707794-C-T.
Other names: c.784G>A, p.Asp262Asn (NM_001276479.2); c.388G>A, p.Asp130Asn (NM_001276480.1); short protein forms D130N, D326N, D262N.
Identifiers: ClinVar variation 1995707 (VCV001995707.4), dbSNP rs2055171714, ClinGen allele CA403536191.
Genomic context (GRCh38, chr19:5,707,783, plus strand): 5'-GCTCATGGGACTCGGCCCCGGTGAGCGCGGCGCCCATGTCGCTCAGGTAGATGGGGTTGT[C>T]CACCACCCGCTGGCCAGCCTGCATCATCTGCAGCACTGACTCCCTGGGGGACAAAGGGAG-3'
Protein context (NP_004784.2, residues 316-336): QMMQAGQRVV[Asp326Asn]NPIYLSDMGA

ClinVar aggregate classification (germline): Uncertain significance (1 of 4 stars; one submission).

Submission:

Labcorp Genetics (formerly Invitae), Labcorp
Classification: Uncertain significance. Last evaluated: 2021-12-24. Review status: criteria provided, single submitter. Criteria: Invitae Variant Classification Sherloc (09022015). Collection method: clinical testing. Allele origin: germline.
Comment: This sequence change replaces aspartic acid, which is acidic and polar, with asparagine, which is neutral and polar, at codon 326 of the LONP1 protein (p.Asp326Asn). This variant is not present in population databases (gnomAD no frequency). This variant has not been reported in the literature in individuals affected with LONP1-related conditions. Algorithms developed to predict the effect of missense changes on protein structure and function are either unavailable or do not agree on the potential impact of this missense change (SIFT: "Deleterious"; PolyPhen-2: "Possibly Damaging"; Align-GVGD: "Class C0"). In summary, the available evidence is currently insufficient to determine the role of this variant in disease. Therefore, it has been classified as a Variant of Uncertain Significance.